The following is an entry in ClinVar:

NM_000137.4(FAH):c.398A>T (p.His133Leu)

Gene: FAH (fumarylacetoacetate hydrolase; plus strand). Cytogenetic location: 15q25.1.
Variant type: single nucleotide variant.
Coding change: c.398A>T on transcript NM_000137.4 (MANE Select); coding-DNA position 398, A replaced by T.
Protein change: p.His133Leu; replaces histidine 133 with leucine.
Molecular consequence: missense variant.
Genome position (GRCh38, 1-based): chr15:80,162,279, A>T. VCF-style: chr15-80162279-A-T. GRCh37 (hg19) VCF-style: chr15-80454621-A-T.
Other names: c.398A>T, p.His133Leu (NM_001374377.1, NM_001374380.1); short protein forms H133L.
Identifiers: ClinVar variation 557452 (VCV000557452.14), dbSNP rs775152764, ClinGen allele CA7691145.

ClinVar aggregate classification (germline): Conflicting classifications of pathogenicity. Review status: criteria provided, conflicting classifications (1 of 4 stars). 8 submissions from 8 submitters: Pathogenic (1); Likely pathogenic (4); Uncertain significance (1). 2 of the submissions do not count toward it. Last evaluated 2026-08-26.

Conditions:
FAH-related disorder. Also called: FAH-related condition.
Tyrosinemia type I (TYRSN1). Also called: HEPATORENAL TYROSINEMIA; FAH DEFICIENCY; Tyrosinemia type 1; Fumarylacetoacetase deficiency; Deficiency of fumarylacetoacetase. Identifiers: Orphanet 882, MedGen C0268490, MONDO:0010161, OMIM 276700. Disease mechanism: loss of function.

Allele frequency attached by ClinVar (database versions not stated): gnomAD exomes 0.00001; ExAC 0.00002; gnomAD 0.00002; TOPMed 0.00003.
gnomAD v4.1: 7 of 1,614,130 alleles (0.00043%); highest among the groups gnomAD compares: African/African-American, 0.0093%; no homozygotes.

Submissions (8):

Myriad Genetics, Inc.
Classification: Likely pathogenic for Tyrosinemia type I. Last evaluated: 2026-08-26. Review status: criteria provided, single submitter. Criteria: Myriad Autosomal Dominant, Autosomal Recessive and X-Linked Classification Criteria (2023). Collection method: clinical testing. Allele origin: unknown.
Comment: NM_000137.2(FAH):c.398A>T(H133L) is a missense variant classified as likely pathogenic in the context of tyrosinemia type I. H133L has been observed in a case with relevant disease (PMID: 21752152). Relevant functional assessments of this variant are not available in the literature. Internal structural analysis of the variant is supportive of pathogenicity. H133L has been observed in referenced population frequency databases. In summary, NM_000137.2(FAH):c.398A>T(H133L) is a missense variant that has functional support for pathogenicity and has been observed more frequently in cases with the relevant disease than in healthy populations. Please note: this variant was assessed in the context of healthy population screening.

Labcorp Genetics (formerly Invitae), Labcorp
Classification: Pathogenic for Tyrosinemia type I. Last evaluated: 2026-01-11. Review status: criteria provided, single submitter. Criteria: Invitae Variant Classification Sherloc (09022015). Collection method: clinical testing. Allele origin: germline.
Comment: This sequence change replaces histidine, which is basic and polar, with leucine, which is neutral and non-polar, at codon 133 of the FAH protein (p.His133Leu). This variant is present in population databases (rs775152764, gnomAD 0.02%). This missense change has been observed in individual(s) with tyrosinemia type I (PMID: 21752152). ClinVar contains an entry for this variant (Variation ID: 557452). Invitae Evidence Modeling of protein sequence and biophysical properties (such as structural, functional, and spatial information, amino acid conservation, physicochemical variation, residue mobility, and thermodynamic stability) indicates that this missense variant is expected to disrupt FAH protein function with a positive predictive value of 80%. This variant disrupts the p.His133 amino acid residue in FAH. Other variant(s) that disrupt this residue have been observed in individuals with FAH-related conditions (PMID: 12555948), which suggests that this may be a clinically significant amino acid residue. For these reasons, this variant has been classified as Pathogenic.

Otogenetics
Classification: Likely pathogenic for Tyrosinemia type I. Last evaluated: 2025-10-29. Review status: criteria provided, single submitter. Criteria: ACMG Guidelines, 2015. Collection method: clinical testing. Allele origin: germline.
Comment: PM2: Maximum gnomAD MAF of 0.02% in African (AFR) subpopulation (<0.066% threshold); PM3_Strong: Variant reported in homozygous state one affected individual and in trans with one pathogenic variant in 1 individual affected with tyrosinemia (PMID: 21752152, 31574857); PP3: In-silico models predict deleterious effect (Revel = 0.96, BayesDel = 0.61)

PreventionGenetics, part of Exact Sciences
Classification: Likely pathogenic for FAH-related condition. Last evaluated: 2025-01-14. Review status: criteria provided, single submitter. Criteria: ACMG Guidelines, 2015. Collection method: clinical testing. Allele origin: germline.
Comment: The FAH c.398A>T variant is predicted to result in the amino acid substitution p.His133Leu. This variant has been reported in the homozygous state in an individual with tyrosinemia type 1 (Couce et al. 2011. PubMed ID: 21752152). This variant is reported in 0.020% of alleles in individuals of African descent in gnomAD. In addition, another missense variant resulting in a different substitution at the same residue (p.His133Arg) has been reported in the homozygous state in an individual with tyrosinemia type 1 (Heath et al. 2002. PubMed ID: 12555948). Taken together, the c.398A>T (p.His133Leu) variant is interpreted as likely pathogenic.

GeneDx
Classification: Uncertain significance. Last evaluated: 2024-10-14. Review status: criteria provided, single submitter. Criteria: GeneDx Variant Classification Process June 2021. Collection method: clinical testing. Allele origin: germline. Affected: yes.
Comment: In silico analysis supports that this missense variant has a deleterious effect on protein structure/function; This variant is associated with the following publications: (PMID: 25681080, 21752152, Romero2006[paper])

Fulgent Genetics
Classification: Likely pathogenic for Tyrosinemia type I. Last evaluated: 2024-03-26. Review status: criteria provided, single submitter. Criteria: ACMG Guidelines, 2015. Collection method: clinical testing. Allele origin: germline.

Counsyl
Classification: Uncertain significance for Tyrosinemia type I. Last evaluated: 2018-03-26. Review status: no assertion criteria provided. Collection method: clinical testing. Allele origin: unknown. Not counted in ClinVar's aggregate classification.

Baylor Genetics
Classification: Uncertain significance for Tyrosinemia type I. Review status: no assertion criteria provided. Collection method: clinical testing. Allele origin: unknown. Not counted in ClinVar's aggregate classification.

Literature cited by the submitters: PubMed 21752152 (cited by 5 submitters); PubMed 12555948 (cited by Labcorp Genetics (formerly Invitae), Labcorp); PubMed 31574857 (cited by Otogenetics); PubMed 10508789 (cited by Counsyl).